The following is an entry in ClinVar:

NM_001195263.2(PDZD7):c.2695G>A (p.Ala899Thr)

Gene: PDZD7 (PDZ domain containing 7; minus strand). Cytogenetic location: 10q24.31.
Variant type: single nucleotide variant.
Coding change: c.2695G>A on transcript NM_001195263.2 (MANE Select); coding-DNA position 2695, G replaced by A.
Protein change: p.Ala899Thr; replaces alanine 899 with threonine.
Molecular consequence: missense variant.
Genome position (GRCh38, 1-based): chr10:101,009,273, C>T on the plus strand (G>A on the coding strand, the complement: PDZD7 is on the minus strand). VCF-style: chr10-101009273-C-T. GRCh37 (hg19) VCF-style: chr10-102769030-C-T.
Other names: short protein forms A899T.
Identifiers: ClinVar variation 1065018 (VCV001065018.8), dbSNP rs911911177, ClinGen allele CA212977640.

ClinVar aggregate classification (germline): Uncertain significance. Review status: criteria provided, multiple submitters, no conflicts (2 of 4 stars). 4 submissions from 4 submitters: Uncertain significance (4). Last evaluated 2025-02-25.

Conditions:
Hearing impairment. Also called: Impaired Hearing. Identifiers: MedGen C1384666, MONDO:0005365, HP:0000365.

Allele frequency attached by ClinVar (database versions not stated): gnomAD exomes below 0.00001; gnomAD 0.00001; TOPMed 0.00001.
gnomAD v4.1: 6 of 1,535,754 alleles (0.00039%); highest among the groups gnomAD compares: African/African-American, 0.0027%; no homozygotes.

Submissions (4):

GeneDx
Classification: Uncertain significance. Last evaluated: 2025-02-25. Review status: criteria provided, single submitter. Criteria: GeneDx Variant Classification Process June 2021. Collection method: clinical testing. Allele origin: germline. Affected: yes.
Comment: Not observed at significant frequency in large population cohorts (gnomAD); In silico analysis supports that this missense variant has a deleterious effect on protein structure/function; Has not been previously published as pathogenic or benign to our knowledge

Labcorp Genetics (formerly Invitae), Labcorp
Classification: Uncertain significance. Last evaluated: 2022-01-15. Review status: criteria provided, single submitter. Criteria: Invitae Variant Classification Sherloc (09022015). Collection method: clinical testing. Allele origin: germline.
Comment: This sequence change replaces alanine, which is neutral and non-polar, with threonine, which is neutral and polar, at codon 899 of the PDZD7 protein (p.Ala899Thr). This variant is not present in population databases (gnomAD no frequency). This variant has not been reported in the literature in individuals affected with PDZD7-related conditions. ClinVar contains an entry for this variant (Variation ID: 1065018). Algorithms developed to predict the effect of missense changes on protein structure and function are either unavailable or do not agree on the potential impact of this missense change (SIFT: "Deleterious"; PolyPhen-2: "Not Available"; Align-GVGD: "Class C0"). In summary, the available evidence is currently insufficient to determine the role of this variant in disease. Therefore, it has been classified as a Variant of Uncertain Significance.

Department of Otolaryngology – Head & Neck Surgery, Cochlear Implant Center
Classification: Uncertain significance for Hearing impairment. Last evaluated: 2021-04-12. Review status: criteria provided, single submitter. Criteria: ClinGen HL ACMG Specifications v1. Collection method: clinical testing. Allele origin: germline. Affected: yes.
Comment: PM2_Moderate, BP4_Supporting

Blueprint Genetics
Classification: Uncertain significance. Last evaluated: 2020-03-23. Review status: criteria provided, single submitter. Criteria: ACMG Guidelines, 2015. Collection method: clinical testing. Allele origin: germline.